The following is an entry in ClinVar:

ClinVar aggregate classification (germline): Pathogenic. Review status: reviewed by expert panel (3 of 4 stars). 5 submissions from 5 submitters: Pathogenic (1). 4 of the submissions do not count toward it. Last evaluated 2016-09-08.

Conditions:
Hereditary cancer-predisposing syndrome. Also called: Tumor predisposition; Neoplastic Syndromes, Hereditary; Hereditary Cancer Syndrome; Hereditary neoplastic syndrome. Identifiers: Orphanet 140162, MedGen C0027672, MeSH D009386, MONDO:0015356.
Hereditary breast ovarian cancer syndrome. Also called: Hereditary breast and ovarian cancer syndrome (HBOC); Hereditary breast and ovarian cancer syndrome; Hereditary breast and ovarian cancer; Hereditary breast and/or ovarian cancer syndrome; Breast and ovarian cancer; BRCA1- and BRCA2-Associated Hereditary Breast and Ovarian Cancer. Identifiers: Orphanet 145, MedGen C0677776, MeSH D061325, MONDO:0003582. Disease mechanism: loss of function.
Breast-ovarian cancer, familial, susceptibility to, 1 (BROVCA1). Also called: OVARIAN CANCER, SUSCEPTIBILITY TO; BRCA1 Hereditary Breast and Ovarian Cancer. Identifiers: Orphanet 145, MedGen C2676676, MONDO:0011450, OMIM 604370. Disease mechanism: loss of function.

Submissions (5):

Evidence-based Network for the Interpretation of Germline Mutant Alleles (ENIGMA)
Classification: Pathogenic for Breast-ovarian cancer, familial, susceptibility to, 1. Last evaluated: 2016-09-08. Review status: reviewed by expert panel. Criteria: ENIGMA BRCA1/2 Classification Criteria (2015). Collection method: curation. Allele origin: germline.
Comment: Variant allele predicted to encode a truncated non-functional protein.

Ambry Genetics
Classification: Pathogenic for Hereditary cancer-predisposing syndrome. Last evaluated: 2021-12-02. Review status: criteria provided, single submitter. Criteria: Ambry Variant Classification Scheme 2023. Collection method: clinical testing. Allele origin: germline. Not counted in ClinVar's aggregate classification.
Comment: The c.4116_4117delTG pathogenic mutation, located in coding exon 10 of the BRCA1 gene, results from a deletion of two nucleotides at nucleotide positions 4116 to 4117, causing a translational frameshift with a predicted alternate stop codon (p.C1372*). This alteration is expected to result in loss of function by premature protein truncation or nonsense-mediated mRNA decay. As such, this alteration is interpreted as a disease-causing mutation.

Sema4
Classification: Likely pathogenic for Hereditary cancer-predisposing syndrome. Last evaluated: 2021-09-18. Review status: criteria provided, single submitter. Criteria: Sema4 Curation Guidelines. Collection method: curation. Allele origin: germline. Not counted in ClinVar's aggregate classification.
Comment: To the best of our knowledge, the BRCA1 c.4116_4117delTG (p.C1372X) variant has not been reported in the literature. This 2-nucleotide deletion creates a premature stop codon at amino acid residue 1372 of the BRCA1 protein. At this location, this is predicted to cause nonsense-mediated decay and result in an absent protein (loss of function). Loss of function variants in BRCA1 are known to be pathogenic (PMID: 29446198). It was not observed in the large and broad cohorts of the Genome Aggregation Database. This variant has been reported in ClinVar (Variation ID 37568). Another variant (c.4116T>A) leading to the same premature stop codon (p.C1372*) has also been reported in an individual with a personal and/or family history of breast cancer (PMID: 12624724). Based on the current evidence available, this variant is interpreted as likely pathogenic.

Labcorp Genetics (formerly Invitae), Labcorp
Classification: Pathogenic for Hereditary breast ovarian cancer syndrome. Last evaluated: 2020-11-15. Review status: criteria provided, single submitter. Criteria: Invitae Variant Classification Sherloc (09022015). Collection method: clinical testing. Allele origin: germline. Not counted in ClinVar's aggregate classification.
Comment: This sequence change creates a premature translational stop signal (p.Cys1372*) in the BRCA1 gene. It is expected to result in an absent or disrupted protein product. Loss-of-function variants in BRCA1 are known to be pathogenic (PMID: 20104584). This variant is not present in population databases (ExAC no frequency). This nonsense change has been observed in individual(s) with breast cancer (PMID: 12624724). ClinVar contains an entry for this variant (Variation ID: 37568). Algorithms developed to predict the effect of sequence changes on RNA splicing suggest that this variant may create or strengthen a splice site, but this prediction has not been confirmed by published transcriptional studies. For these reasons, this variant has been classified as Pathogenic.

Breast Cancer Information Core (BIC) (BRCA1)
Classification: Pathogenic for Breast-ovarian cancer, familial 1. Last evaluated: 2004-02-20. Review status: no assertion criteria provided. Collection method: clinical testing. Allele origin: germline. Affected: yes. Observed: 3 variant alleles. Not counted in ClinVar's aggregate classification.

Literature cited by the submitters: PubMed 29446198 (cited by Sema4); PubMed 12624724 (cited by Sema4 and Labcorp Genetics (formerly Invitae), Labcorp); PubMed 20104584 (cited by Labcorp Genetics (formerly Invitae), Labcorp).

NM_007294.4(BRCA1):c.4116_4117del (p.Cys1372_Glu1373delinsTer)

Gene: BRCA1 (BRCA1 DNA repair associated; minus strand). Cytogenetic location: 17q21.31.
Variant type: Microsatellite.
Coding change: c.4116_4117del on transcript NM_007294.4 (MANE Select); coding-DNA positions 4116 to 4117, 2 bases deleted (TG; older notation c.4116_4117delTG).
Protein change: p.Cys1372_Glu1373delinsTer.
Molecular consequence: nonsense. On other transcripts: frameshift variant (366), non-coding transcript variant (1).
Genome position (GRCh38, 1-based): chr17:43,091,012-43,091,013, CA deleted on the plus strand (TG on the coding strand, the reverse complement: BRCA1 is on the minus strand); deleting any 2 consecutive bases within chr17:43,091,012-43,091,016 gives the same sequence; the c. name uses the placement nearest the transcript's 3' end. VCF-style (leftmost placement, unchanged base first): chr17-43091011-TCA-T. GRCh37 (hg19) VCF-style: chr17-41243028-TCA-T.
Other names: c.4116_4117delTG (NM_007294.3); c.4110_4111GT[1], p.Cys1371Terfs (NM_001407613.1, NM_001407614.1, NM_001407615.1 and 22 more transcripts); c.4113_4114GT[1], p.Cys1372Terfs (NM_001407616.1, NM_001407617.1, NM_001407618.1 and 29 more transcripts); c.4104_4105GT[1], p.Cys1369Terfs (NM_001407646.1, NM_001407647.1); c.3990_3991GT[1], p.Cys1331Terfs (NM_001407648.1, NM_001407664.1, NM_001407665.1 and 19 more transcripts); c.3987_3988GT[1], p.Cys1330Terfs (NM_001407649.1, NM_001407670.1, NM_001407671.1 and 11 more transcripts); c.4035_4036GT[1], p.Cys1346Terfs (NM_001407653.1, NM_001407654.1, NM_001407655.1 and 4 more transcripts); c.4032_4033GT[1], p.Cys1345Terfs (NM_001407659.1, NM_001407660.1, NM_001407661.1 and 1 more transcripts); and 45 more.
Identifiers: ClinVar variation 37568 (VCV000037568.13), dbSNP rs80357804, ClinGen allele CA002637.
Genomic context (GRCh38, chr17:43,091,011, plus strand): 5'-GTTAAAATGTCACTCTGAGAGGATAGCCCTGAGCAGTCTTCAGAGACGCTTGTTTCACTC[TCA>T]CACCCAGATGCTGCTTCACCTTAAATAACAAAAACAGAGGTTCAGATGTAAAAGCAGACT-3'